The following is an entry in ClinVar:

NM_021098.3(CACNA1H):c.1980C>A (p.Ile660=)

Gene: CACNA1H (calcium voltage-gated channel subunit alpha1 H; plus strand). Cytogenetic location: 16p13.3.
Variant type: single nucleotide variant.
Coding change: c.1980C>A on transcript NM_021098.3 (MANE Select); coding-DNA position 1980, C replaced by A.
Protein change: p.Ile660=; no amino-acid change (isoleucine 660 retained).
Molecular consequence: synonymous variant.
Genome position (GRCh38, 1-based): chr16:1,202,430, C>A. VCF-style: chr16-1202430-C-A. GRCh37 (hg19) VCF-style: chr16-1252430-C-A.
Other names: c.1980C>A, p.Ile660= (NM_001005407.2).
Identifiers: ClinVar variation 1626656 (VCV001626656.31), dbSNP rs769960413, ClinGen allele CA276652198.

ClinVar aggregate classification (germline): Likely benign. Review status: criteria provided, multiple submitters, no conflicts (2 of 4 stars). 2 submissions from 2 submitters: Likely benign (2). Last evaluated 2022-10-01.

Conditions:
Idiopathic generalized epilepsy. Also called: Generalised epilepsy; EIG. Identifiers: MedGen C0270850, MONDO:0005579, OMIM 600669.
Hyperaldosteronism, familial, type IV (HALD4). Also called: FH IV; ALDOSTERONISM, PRIMARY, AND HYPERTENSION. Identifiers: Orphanet 642671, MedGen C4310756, MONDO:0014875, OMIM 617027.

Allele frequency attached by ClinVar (database versions not stated): gnomAD 0.00001; TOPMed 0.00003.

Submissions (2):

CeGaT Center for Human Genetics Tuebingen
Classification: Likely benign. Last evaluated: 2022-10-01. Review status: criteria provided, single submitter. Criteria: CeGaT Center For Human Genetics Tuebingen Variant Classification Criteria Version 2. Collection method: clinical testing. Allele origin: germline. Affected: yes. Observed: 1 variant allele.
Comment: CACNA1H: BP4, BP7

Labcorp Genetics (formerly Invitae), Labcorp
Classification: Likely benign for Idiopathic generalized epilepsy; Hyperaldosteronism, familial, type IV. Last evaluated: 2021-04-29. Review status: criteria provided, single submitter. Criteria: Invitae Variant Classification Sherloc (09022015). Collection method: clinical testing. Allele origin: germline.